The following is an entry in ClinVar:

NM_001358235.2(DCHS2):c.1830C>T (p.Ser610=)

Gene: DCHS2 (dachsous cadherin-related 2; minus strand). Cytogenetic location: 4q31.3.
Variant type: single nucleotide variant.
Coding change: c.1830C>T on transcript NM_001358235.2 (MANE Select); coding-DNA position 1830, C replaced by T.
Protein change: p.Ser610=; no amino-acid change (serine 610 retained).
Molecular consequence: synonymous variant.
Genome position (GRCh38, 1-based): chr4:154,489,526, G>A on the plus strand (C>T on the coding strand, the complement: DCHS2 is on the minus strand). VCF-style: chr4-154489526-G-A. GRCh37 (hg19) VCF-style: chr4-155410678-G-A.
Other names: c.1830C>T, p.Ser610= (NM_001142552.2, NM_001412223.1).
Identifiers: ClinVar variation 3040035 (VCV003040035.2), dbSNP rs371502851, ClinGen allele CA3113793.

ClinVar aggregate classification (germline): Likely benign (0 of 4 stars; one submission).

Conditions:
DCHS2-related disorder. Also called: DCHS2-related condition.

Allele frequency attached by ClinVar (database versions not stated): 1000 Genomes Project 30x 0.00016.
gnomAD v4.1: 164 of 1,551,644 alleles (0.011%); highest among the groups gnomAD compares: East Asian, 0.09%; 5 homozygotes.

Submission:

PreventionGenetics, part of Exact Sciences
Classification: Likely benign for DCHS2-related condition. Last evaluated: 2019-10-28. Review status: no assertion criteria provided. Collection method: clinical testing. Allele origin: germline.
Comment: This variant is classified as likely benign based on ACMG/AMP sequence variant interpretation guidelines (Richards et al. 2015 PMID: 25741868, with internal and published modifications).